The following is an entry in ClinVar:

NM_015047.3(EMC1):c.2377-1G>C

Genes: EMC1 (ER membrane protein complex subunit 1; minus strand), EMC1-AS1 (EMC1 antisense RNA 1; plus strand). Cytogenetic location: 1p36.13.
Variant type: single nucleotide variant.
Coding change: c.2377-1G>C on transcript NM_015047.3 (MANE Select); the canonical splice acceptor site of the intron before coding-DNA position 2377, G replaced by C.
Molecular consequence: splice acceptor variant.
Genome position (GRCh38, 1-based): chr1:19,222,835, C>G on the plus strand (G>C on the coding strand, the complement: EMC1 is on the minus strand). VCF-style: chr1-19222835-C-G. GRCh37 (hg19) VCF-style: chr1-19549329-C-G.
Other names: c.2311-1G>C (NM_001271429.2); c.2374-1G>C (NM_001271427.2, NM_001271428.2); c.2383-1G>C (NM_001375821.1); c.2386-1G>C (NM_001375820.1).
Identifiers: ClinVar variation 2037211 (VCV002037211.4), dbSNP rs2536666629, ClinGen allele CA338754635.
Genomic context (GRCh38, chr1:19,222,835, plus strand): 5'-CTCATAGAGCTCCAGTACGGTAAACTCGTTGCGCCGAGCCTTGGTGTTCCAGTACTGGTA[C>G]TGCAGGGATAGGAGGTGGCAGCTCAGGGCTTAGCAGCTGCTTCAACTGGAAAGGGAAATT-3'

ClinVar aggregate classification (germline): Likely pathogenic (1 of 4 stars; one submission).

Submission:

Labcorp Genetics (formerly Invitae), Labcorp
Classification: Likely pathogenic. Last evaluated: 2022-07-06. Review status: criteria provided, single submitter. Criteria: Invitae Variant Classification Sherloc (09022015). Collection method: clinical testing. Allele origin: germline.
Comment: In summary, the currently available evidence indicates that the variant is pathogenic, but additional data are needed to prove that conclusively. Therefore, this variant has been classified as Likely Pathogenic. Algorithms developed to predict the effect of sequence changes on RNA splicing suggest that this variant may disrupt the consensus splice site. This variant has not been reported in the literature in individuals affected with EMC1-related conditions. This variant is not present in population databases (gnomAD no frequency). This sequence change affects an acceptor splice site in intron 19 of the EMC1 gene. It is expected to disrupt RNA splicing. Variants that disrupt the donor or acceptor splice site typically lead to a loss of protein function (PMID: 16199547), and loss-of-function variants in EMC1 are known to be pathogenic (PMID: 26572623, 26942288, 29271071).

Literature cited by the submitters: PubMed 16199547; PubMed 26572623; PubMed 26942288; PubMed 29271071.